The following is an entry in ClinVar:

ClinVar aggregate classification (germline): Uncertain significance (1 of 4 stars; one submission).

Allele frequency attached by ClinVar (database versions not stated): gnomAD exomes below 0.00001.
gnomAD v4.1: 1 of 1,613,906 alleles (0.000062%); highest among the groups gnomAD compares: Admixed American, 0.0017%; no homozygotes.

Submission:

Labcorp Genetics (formerly Invitae), Labcorp
Classification: Uncertain significance. Last evaluated: 2022-07-12. Review status: criteria provided, single submitter. Criteria: Invitae Variant Classification Sherloc (09022015). Collection method: clinical testing. Allele origin: germline.
Comment: This variant has not been reported in the literature in individuals affected with VCAN-related conditions. In summary, the available evidence is currently insufficient to determine the role of this variant in disease. Therefore, it has been classified as a Variant of Uncertain Significance. Algorithms developed to predict the effect of sequence changes on RNA splicing suggest that this variant may create or strengthen a splice site. Algorithms developed to predict the effect of missense changes on protein structure and function are either unavailable or do not agree on the potential impact of this missense change (SIFT: "Deleterious"; PolyPhen-2: "Benign"; Align-GVGD: "Class C0"). ClinVar contains an entry for this variant (Variation ID: 1488971). This variant is not present in population databases (gnomAD no frequency). This sequence change replaces asparagine, which is neutral and polar, with lysine, which is basic and polar, at codon 3076 of the VCAN protein (p.Asn3076Lys).

NM_004385.5(VCAN):c.9228T>G (p.Asn3076Lys)

Genes: VCAN (versican; plus strand), VCAN-AS1 (VCAN antisense RNA 1; minus strand). Cytogenetic location: 5q14.3.
Variant type: single nucleotide variant.
Coding change: c.9228T>G on transcript NM_004385.5 (MANE Select); coding-DNA position 9228, T replaced by G.
Protein change: p.Asn3076Lys; replaces asparagine 3076 with lysine.
Molecular consequence: missense variant. On other transcripts: intron variant (2).
Genome position (GRCh38, 1-based): chr5:83,542,231, T>G. VCF-style: chr5-83542231-T-G. GRCh37 (hg19) VCF-style: chr5-82838050-T-G.
Other names: c.6267T>G, p.Asn2089Lys (NM_001164097.2); c.4004-3306T>G (NM_001164098.2); c.1043-3306T>G (NM_001126336.3); short protein forms N3076K, N2089K.
Identifiers: ClinVar variation 1488971 (VCV001488971.6), dbSNP rs2112451562, ClinGen allele CA360295552.